The following is an entry in ClinVar:

NM_003924.4(PHOX2B):c.590G>A (p.Gly197Asp)

Gene: PHOX2B (paired like homeobox 2B; minus strand). Cytogenetic location: 4p13.
Variant type: single nucleotide variant.
Coding change: c.590G>A on transcript NM_003924.4 (MANE Select); coding-DNA position 590, G replaced by A.
Protein change: p.Gly197Asp; replaces glycine 197 with aspartic acid.
Molecular consequence: missense variant.
Genome position (GRCh38, 1-based): chr4:41,746,162, C>T on the plus strand (G>A on the coding strand, the complement: PHOX2B is on the minus strand). VCF-style: chr4-41746162-C-T. GRCh37 (hg19) VCF-style: chr4-41748179-C-T.
Other names: short protein forms G197D.
Identifiers: ClinVar variation 6014 (VCV000006014.5), dbSNP rs104893856, ClinGen allele CA117908.

ClinVar aggregate classification (germline): Uncertain significance. Review status: criteria provided, single submitter (1 of 4 stars). 2 submissions from 2 submitters: Uncertain significance (1). 1 of the submissions does not count toward it. Last evaluated 2025-06-25.

Conditions:
Hereditary cancer-predisposing syndrome. Also called: Neoplastic Syndromes, Hereditary; Tumor predisposition; Hereditary neoplastic syndrome; Hereditary Cancer Syndrome. Identifiers: Orphanet 140162, MedGen C0027672, MeSH D009386, MONDO:0015356.
Neuroblastoma, susceptibility to, 2. Identifiers: Orphanet 635, MedGen C2751682, MONDO:0700041, OMIM 613013.

Submissions (2):

Ambry Genetics
Classification: Uncertain significance for Hereditary cancer-predisposing syndrome. Last evaluated: 2025-06-25. Review status: criteria provided, single submitter. Criteria: Ambry Variant Classification Scheme 2023. Collection method: clinical testing. Allele origin: germline.
Comment: The p.G197D variant (also known as c.590G>A), located in coding exon 3 of the PHOX2B gene, results from a G to A substitution at nucleotide position 590. The glycine at codon 197 is replaced by aspartic acid, an amino acid with similar properties. Family history included three additional individuals with neural crest tumors (McConville C et al. Am. J. Med. Genet. A 2006 Jun;140(12):1297-301). One in vitro functional study showed that transactivation activity of this variant was similar to wild-type (Trochet D Hum. Mutat. 2009 Feb;30(2):E421-31). This amino acid position is well conserved in available vertebrate species. In addition, this alteration is predicted to be deleterious by in silico analysis. Based on the available evidence, the clinical significance of this variant remains unclear.

OMIM
Classification: risk factor for NEUROBLASTOMA, SUSCEPTIBILITY TO, 2. Last evaluated: 2006-06-15. Review status: no assertion criteria provided. Collection method: literature only. Allele origin: germline. Not counted in ClinVar's aggregate classification.

Literature cited by the submitters: PubMed 16691592 (cited by OMIM).